The following is an entry in ClinVar:

NM_000521.4(HEXB):c.221C>G (p.Pro74Arg)

Gene: HEXB (hexosaminidase subunit beta; plus strand). Cytogenetic location: 5q13.3.
Variant type: single nucleotide variant.
Coding change: c.221C>G on transcript NM_000521.4 (MANE Select); coding-DNA position 221, C replaced by G.
Protein change: p.Pro74Arg; replaces proline 74 with arginine.
Molecular consequence: missense variant. On other transcripts: intron variant (1).
Genome position (GRCh38, 1-based): chr5:74,685,481, C>G. VCF-style: chr5-74685481-C-G. GRCh37 (hg19) VCF-style: chr5-73981306-C-G.
Other names: c.-376-3847C>G (NM_001292004.2); short protein forms P74R.
Identifiers: ClinVar variation 2187539 (VCV002187539.1), dbSNP rs1748843339, ClinGen allele CA360062365.

ClinVar aggregate classification (germline): Uncertain significance (1 of 4 stars; one submission).

Conditions:
Sandhoff disease. Also called: Beta-hexosaminidase-beta-subunit deficiency; GM2 gangliosidosis, type 2; Total hexosaminidase deficiency; Sandhoff-Jatzkewitz-Pilz disease; GM2-GANGLIOSIDOSIS, TYPE II; HEXOSAMINIDASES A AND B DEFICIENCY. Identifiers: Orphanet 796, MedGen C0036161, MONDO:0010006, OMIM 268800.

gnomAD v4.1: 1 of 1,611,392 alleles (0.000062%); highest among the groups gnomAD compares: Non-Finnish European, 0.000085%; no homozygotes.

Submission:

Labcorp Genetics (formerly Invitae), Labcorp
Classification: Uncertain significance for Sandhoff disease. Last evaluated: 2022-05-09. Review status: criteria provided, single submitter. Criteria: Invitae Variant Classification Sherloc (09022015). Collection method: clinical testing. Allele origin: germline.
Comment: This sequence change replaces proline, which is neutral and non-polar, with arginine, which is basic and polar, at codon 74 of the HEXB protein (p.Pro74Arg). This variant is not present in population databases (gnomAD no frequency). This variant has not been reported in the literature in individuals affected with HEXB-related conditions. Advanced modeling of protein sequence and biophysical properties (such as structural, functional, and spatial information, amino acid conservation, physicochemical variation, residue mobility, and thermodynamic stability) performed at Invitae indicates that this missense variant is not expected to disrupt HEXB protein function. In summary, the available evidence is currently insufficient to determine the role of this variant in disease. Therefore, it has been classified as a Variant of Uncertain Significance.